The following is an entry in ClinVar:

ClinVar aggregate classification (germline): Conflicting classifications of pathogenicity. Review status: criteria provided, conflicting classifications (1 of 4 stars). 2 submissions from 2 submitters: Uncertain significance (1); Likely benign (1). Last evaluated 2025-06-27.

Conditions:
Cardiovascular phenotype. Identifiers: MedGen CN230736.

Allele frequency attached by ClinVar (database versions not stated): gnomAD 0.00001; gnomAD exomes 0.00001; TOPMed 0.00001.
gnomAD v4.1: 14 of 1,611,400 alleles (0.00087%); highest among the groups gnomAD compares: African/African-American, 0.0027%; no homozygotes.

Submissions (2):

Labcorp Genetics (formerly Invitae), Labcorp
Classification: Uncertain significance. Last evaluated: 2025-06-27. Review status: criteria provided, single submitter. Criteria: Invitae Variant Classification Sherloc (09022015). Collection method: clinical testing. Allele origin: germline.
Comment: This sequence change replaces asparagine, which is neutral and polar, with serine, which is neutral and polar, at codon 171 of the MFAP5 protein (p.Asn171Ser). This variant is present in population databases (no rsID available, gnomAD 0.007%). This variant has not been reported in the literature in individuals affected with MFAP5-related conditions. ClinVar contains an entry for this variant (Variation ID: 1483490). An algorithm developed to predict the effect of missense changes on protein structure and function outputs the following: PolyPhen-2: "Benign". The serine amino acid residue is found in multiple mammalian species, which suggests that this missense change does not adversely affect protein function. In summary, the available evidence is currently insufficient to determine the role of this variant in disease. Therefore, it has been classified as a Variant of Uncertain Significance.

Ambry Genetics
Classification: Likely benign for Cardiovascular phenotype. Last evaluated: 2023-05-23. Review status: criteria provided, single submitter. Criteria: Ambry Variant Classification Scheme 2023. Collection method: clinical testing. Allele origin: germline.

NM_003480.4(MFAP5):c.512A>G (p.Asn171Ser)

Genes: MFAP5 (microfibril associated protein 5; minus strand), LOC126861443 (BRD4-independent group 4 enhancer GRCh37_chr12:8800473-8801672; plus strand). Cytogenetic location: 12p13.31.
Variant type: single nucleotide variant.
Coding change: c.512A>G on transcript NM_003480.4 (MANE Select); coding-DNA position 512, A replaced by G.
Protein change: p.Asn171Ser; replaces asparagine 171 with serine.
Molecular consequence: missense variant. On other transcripts: non-coding transcript variant (2).
Genome position (GRCh38, 1-based): chr12:8,648,101, T>C on the plus strand (A>G on the coding strand, the complement: MFAP5 is on the minus strand). VCF-style: chr12-8648101-T-C. GRCh37 (hg19) VCF-style: chr12-8800697-T-C.
Other names: c.482A>G, p.Asn161Ser (NM_001297709.2); c.446A>G, p.Asn149Ser (NM_001297710.2); c.437A>G, p.Asn146Ser (NM_001297711.2); c.320A>G, p.Asn107Ser (NM_001297712.2); short protein forms N107S, N146S, N171S, N149S, N161S.
Identifiers: ClinVar variation 1483490 (VCV001483490.10), dbSNP rs1042828478, ClinGen allele CA232305690.